The following is an entry in ClinVar:

ClinVar aggregate classification (germline): Uncertain significance. Review status: criteria provided, multiple submitters, no conflicts (2 of 4 stars). 2 submissions from 2 submitters: Uncertain significance (2). Last evaluated 2024-10-17.

Conditions:
Adams-Oliver syndrome 5 (AOS5). Identifiers: Orphanet 974, MedGen C4014970, MONDO:0014459, OMIM 616028.
Familial thoracic aortic aneurysm and aortic dissection (TAAD). Also called: Thoracic aortic aneurysms and dissections. Identifiers: Orphanet 91387, MedGen C4707243, MONDO:0019625.

Allele frequency attached by ClinVar (database versions not stated): gnomAD exomes below 0.00001; TOPMed below 0.00001.
gnomAD v4.1: 7 of 1,612,788 alleles (0.00043%); highest among the groups gnomAD compares: East Asian, 0.0022%; no homozygotes.

Submissions (2):

Labcorp Genetics (formerly Invitae), Labcorp
Classification: Uncertain significance for Adams-Oliver syndrome 5. Last evaluated: 2024-10-17. Review status: criteria provided, single submitter. Criteria: Invitae Variant Classification Sherloc (09022015). Collection method: clinical testing. Allele origin: germline.
Comment: This sequence change falls in intron 5 of the NOTCH1 gene. It does not directly change the encoded amino acid sequence of the NOTCH1 protein. It affects a nucleotide within the consensus splice site. This variant is not present in population databases (gnomAD no frequency). This variant has not been reported in the literature in individuals affected with NOTCH1-related conditions. ClinVar contains an entry for this variant (Variation ID: 1371166). Variants that disrupt the consensus splice site are a relatively common cause of aberrant splicing (PMID: 17576681, 9536098). In summary, the available evidence is currently insufficient to determine the role of this variant in disease. Therefore, it has been classified as a Variant of Uncertain Significance.

Ambry Genetics
Classification: Uncertain significance for Familial thoracic aortic aneurysm and aortic dissection. Last evaluated: 2019-12-26. Review status: criteria provided, single submitter. Criteria: Ambry Variant Classification Scheme 2023. Collection method: clinical testing. Allele origin: germline.
Comment: The c.865+2C>T intronic variant results from a C to T substitution two nucleotides after coding exon 5 in the NOTCH1 gene. Alterations that disrupt the canonical splice site are expected to cause aberrant splicing, resulting in an abnormal protein or a transcript that is subject to nonsense-mediated mRNA decay. However, this nucleotide position is poorly conserved in available vertebrate species. Using the BDGP and ESEfinder splice site prediction tools, this alteration is not predicted to have any significant effect on this splice donor site; however, direct evidence is unavailable. An alternate nucleotide substitution at this position with predicted splicing impact, c.865+2C>A, was reported in affected individuals from a family with bicuspid aortic valve, thoracic aortic aneurysm, and congenital heart defects (Kerstjens-Frederikse WS et al. Genet. Med., 2016 09;18:914-23). Since supporting evidence is limited at this time, the clinical significance of this alteration remains unclear.

Literature cited by the submitters: PubMed 17576681 (cited by Labcorp Genetics (formerly Invitae), Labcorp); PubMed 9536098 (cited by Labcorp Genetics (formerly Invitae), Labcorp); PubMed 26820064 (cited by Ambry Genetics).

NM_017617.5(NOTCH1):c.865+2C>T

Gene: NOTCH1 (notch receptor 1; minus strand). Cytogenetic location: 9q34.3.
Variant type: single nucleotide variant.
Coding change: c.865+2C>T on transcript NM_017617.5 (MANE Select); the canonical splice donor site of the intron after coding-DNA position 865, C replaced by T.
Molecular consequence: splice donor variant.
Genome position (GRCh38, 1-based): chr9:136,519,441, G>A on the plus strand (C>T on the coding strand, the complement: NOTCH1 is on the minus strand). VCF-style: chr9-136519441-G-A. GRCh37 (hg19) VCF-style: chr9-139413893-G-A.
Identifiers: ClinVar variation 1371166 (VCV001371166.8), dbSNP rs1164392989, ClinGen allele CA375566198.
Genomic context (GRCh38, chr9:136,519,441, plus strand): 5'-TTTAGTAAGTGGGTAGCAGCCCCGCCCCGGCTACCCCGCCCTGCGGCGACCCGTATACGC[G>A]CCTGTCCACTCTGGCGGGCAGCGGCAGTTGTAGGTGTTCACGCCGTCCACACAGGCACCC-3'